The following is an entry in ClinVar:

NM_000186.4(CFH):c.2261A>G (p.Lys754Arg)

Gene: CFH (complement factor H; plus strand). Cytogenetic location: 1q31.3.
Variant type: single nucleotide variant.
Coding change: c.2261A>G on transcript NM_000186.4 (MANE Select); coding-DNA position 2261, A replaced by G.
Protein change: p.Lys754Arg; replaces lysine 754 with arginine.
Molecular consequence: missense variant.
Genome position (GRCh38, 1-based): chr1:196,728,370, A>G. VCF-style: chr1-196728370-A-G. GRCh37 (hg19) VCF-style: chr1-196697500-A-G.
Other names: short protein forms K754R.
Identifiers: ClinVar variation 3029256 (VCV003029256.4), dbSNP rs1182368289, ClinGen allele CA343990380.

ClinVar aggregate classification (germline): Uncertain significance. Review status: criteria provided, multiple submitters, no conflicts (2 of 4 stars). 3 submissions from 3 submitters: Uncertain significance (2). 1 of the submissions does not count toward it. Last evaluated 2024-03-18.

Conditions:
CFH-related disorder. Also called: CFH-related condition; CFH-related disorders.
Inborn genetic diseases. Identifiers: MedGen C0950123, MeSH D030342.
Hemolytic uremic syndrome, atypical, susceptibility to, 1. Also called: AHUS, SUSCEPTIBILITY TO, 1. Identifiers: Orphanet 2134, Orphanet 90038, MedGen C2749604, MONDO:0009335, OMIM 235400. Disease mechanism: Other.
Age related macular degeneration 4. Identifiers: MedGen C1853147, MONDO:0012540, OMIM 610698.
Basal laminar drusen. Also called: DRUSEN OF BRUCH MEMBRANE; DRUSEN, CUTICULAR; DRUSEN, EARLY ADULT-ONSET, GROUPED. Identifiers: Orphanet 75376, MedGen C0730295, MONDO:0007472, OMIM 126700.
Factor H deficiency (CFHD). Also called: CFH DEFICIENCY; COMPLEMENT FACTOR H DEFICIENCY. Identifiers: Orphanet 200421, MedGen C0398777, MONDO:0012350, OMIM 609814.

Allele frequency attached by ClinVar (database versions not stated): TOPMed below 0.00001; gnomAD 0.00001.
gnomAD v4.1: 8 of 1,556,626 alleles (0.00051%); highest among the groups gnomAD compares: African/African-American, 0.0014%; no homozygotes.

Submissions (3):

Ambry Genetics
Classification: Uncertain significance for Inborn genetic diseases. Last evaluated: 2024-03-18. Review status: criteria provided, single submitter. Criteria: Ambry Variant Classification Scheme 2023. Collection method: clinical testing. Allele origin: germline.

Fulgent Genetics
Classification: Uncertain significance for Basal laminar drusen; Hemolytic uremic syndrome, atypical, susceptibility to, 1; Factor H deficiency; Age related macular degeneration 4. Last evaluated: 2024-03-11. Review status: criteria provided, single submitter. Criteria: ACMG Guidelines, 2015. Collection method: clinical testing. Allele origin: germline.

PreventionGenetics, part of Exact Sciences
Classification: Uncertain significance for CFH-related condition. Last evaluated: 2024-01-15. Review status: no assertion criteria provided. Collection method: clinical testing. Allele origin: germline. Not counted in ClinVar's aggregate classification.
Comment: The CFH c.2261A>G variant is predicted to result in the amino acid substitution p.Lys754Arg. To our knowledge, this variant has not been reported in the literature. This variant is reported in 0.0% of alleles in individuals of African descent in gnomAD. At this time, the clinical significance of this variant is uncertain due to the absence of conclusive functional and genetic evidence.